The following is an entry in ClinVar:

ClinVar aggregate classification (germline): Pathogenic/Likely pathogenic. Review status: criteria provided, multiple submitters, no conflicts (2 of 4 stars). 7 submissions from 7 submitters: Pathogenic (2); Likely pathogenic (4). 1 of the submissions does not count toward it. Last evaluated 2025-10-22.

Conditions:
Deficiency of butyryl-CoA dehydrogenase (ACADSD). Also called: SCAD Deficiency; ACADS DEFICIENCY; SCAD DEFICIENCY, MILD; ACYL-CoA DEHYDROGENASE, SHORT-CHAIN, DEFICIENCY OF; SCADH DEFICIENCY; Short-Chain Acyl-CoA Dehydrogenase Deficiency. Identifiers: Orphanet 26792, MedGen C0342783, MONDO:0008722, OMIM 201470. Disease mechanism: May be benign.

Allele frequency attached by ClinVar (database versions not stated): ExAC 0.00002; gnomAD exomes 0.00004 and 0.00002; TOPMed 0.00006; gnomAD 0.00006.
gnomAD v4.1: 61 of 1,613,456 alleles (0.0038%); highest among the groups gnomAD compares: South Asian, 0.0055%; no homozygotes.

Submissions (7):

Labcorp Genetics (formerly Invitae), Labcorp
Classification: Pathogenic for Deficiency of butyryl-CoA dehydrogenase. Last evaluated: 2025-10-22. Review status: criteria provided, single submitter. Criteria: Invitae Variant Classification Sherloc (09022015). Collection method: clinical testing. Allele origin: germline.
Comment: This sequence change replaces arginine, which is basic and polar, with tryptophan, which is neutral and slightly polar, at codon 325 of the ACADS protein (p.Arg325Trp). This variant is present in population databases (rs121908006, gnomAD 0.006%). This missense change has been observed in individual(s) with short-chain acyl-coA dehydrogenase (SCAD) deficiency (PMID: 11134486; internal data). In at least one individual the data is consistent with being in trans (on the opposite chromosome) from a pathogenic variant. ClinVar contains an entry for this variant (Variation ID: 3835). Invitae Evidence Modeling of protein sequence and biophysical properties (such as structural, functional, and spatial information, amino acid conservation, physicochemical variation, residue mobility, and thermodynamic stability) indicates that this missense variant is expected to disrupt ACADS protein function with a positive predictive value of 80%. Experimental studies have shown that this missense change affects ACADS function (PMID: 11134486). For these reasons, this variant has been classified as Pathogenic.

Women's Health and Genetics/Laboratory Corporation of America, LabCorp
Classification: Likely pathogenic for Deficiency of butyryl-CoA dehydrogenase. Last evaluated: 2025-07-01. Review status: criteria provided, single submitter. Criteria: LabCorp Variant Classification Summary - May 2015. Collection method: clinical testing. Allele origin: germline.
Comment: Variant summary: ACADS c.973C>T (p.Arg325Trp) results in a non-conservative amino acid change in the encoded protein sequence. Algorithms developed to predict the effect of missense changes on protein structure and function all suggest that this variant is likely to be disruptive. The variant allele was found at a frequency of 2e-05 in 251074 control chromosomes. c.973C>T has been observed in individual(s) affected with Deficiency Of Butyryl-CoA Dehydrogenase (e.g. Corydon_2001, Zhou_2021, internal data). These data indicate that the variant may be associated with disease. At least one publication has reported experimental evidence evaluating an impact on protein function and found the variant resulted in undetectable levels of enzyme activity (Corydon_2001). The following publications have been ascertained in the context of this evaluation (PMID: 11134486, 34869113). ClinVar contains an entry for this variant (Variation ID: 3835). Based on the evidence outlined above, the variant was classified as likely pathogenic.

Variantyx, Inc.
Classification: Likely pathogenic for Deficiency of butyryl-CoA dehydrogenase. Last evaluated: 2025-03-31. Review status: criteria provided, single submitter. Criteria: Variantyx Assertion Criteria 2022. Collection method: clinical testing. Allele origin: germline. Inheritance: Autosomal recessive inheritance. Affected: no.
Comment: This is a nonsynonymous variant in the ACADS gene (OMIM: 606885). Pathogenic variants in this gene have been associated with autosomal recessive short-chain acyl-CoA dehydrogenase deficiency. This variant has been identified in the homozygous or compound heterozygous state in at least four individuals reported in the published literature (PMID: 18054510, 31620161) (PM3). Functional studies have shown that this variant alters ACADS protein function (PMID: 11134486) (PS3) and multiple computational algorithms predict a deleterious effect for this variant (REVEL score: 0.974) (PP3). This variant has a 0.0055% maximum allele frequency in non-founder control populations (PM2). Based on the current evidence, this variant is classified as likely pathogenic for autosomal recessive short-chain acyl-CoA dehydrogenase deficiency.

GeneDx
Classification: Pathogenic. Last evaluated: 2025-01-17. Review status: criteria provided, single submitter. Criteria: GeneDx Variant Classification Process June 2021. Collection method: clinical testing. Allele origin: germline. Affected: yes.
Comment: Expression studies in E. coli found that the R325W mutation is associated with undetectable SCAD enzyme activity (PMID: 11134486); In silico analysis supports that this missense variant has a deleterious effect on protein structure/function; Not observed at significant frequency in large population cohorts (gnomAD); This variant is associated with the following publications: (PMID: 11134486, 31620161, 34869113, 38644811)

Fulgent Genetics
Classification: Likely pathogenic for Deficiency of butyryl-CoA dehydrogenase. Last evaluated: 2024-05-15. Review status: criteria provided, single submitter. Criteria: ACMG Guidelines, 2015. Collection method: clinical testing. Allele origin: germline.

Genome-Nilou Lab
Classification: Likely pathogenic for Deficiency of butyryl-CoA dehydrogenase. Last evaluated: 2021-11-07. Review status: criteria provided, single submitter. Criteria: ACMG Guidelines, 2015. Collection method: clinical testing. Allele origin: germline. Affected: no.

OMIM
Classification: Pathogenic for SCAD DEFICIENCY. Last evaluated: 2001-01-01. Review status: no assertion criteria provided. Collection method: literature only. Allele origin: germline. Not counted in ClinVar's aggregate classification.

Literature cited by the submitters: PubMed 11134486 (cited by 4 submitters); PubMed 34869113 (cited by Women's Health and Genetics/Laboratory Corporation of America, LabCorp); PubMed 18054510 (cited by Variantyx, Inc.); PubMed 31620161 (cited by Variantyx, Inc.).

NM_000017.4(ACADS):c.973C>T (p.Arg325Trp)

Gene: ACADS (acyl-CoA dehydrogenase short chain; plus strand). Cytogenetic location: 12q24.31.
Variant type: single nucleotide variant.
Coding change: c.973C>T on transcript NM_000017.4 (MANE Select); coding-DNA position 973, C replaced by T.
Protein change: p.Arg325Trp; replaces arginine 325 with tryptophan.
Molecular consequence: missense variant.
Genome position (GRCh38, 1-based): chr12:120,738,859, C>T. VCF-style: chr12-120738859-C-T. GRCh37 (hg19) VCF-style: chr12-121176662-C-T.
Other names: R301W; p.R325W:CGG>TGG; c.961C>T, p.Arg321Trp (NM_001302554.2); short protein forms R325W, R321W.
Identifiers: ClinVar variation 3835 (VCV000003835.20), dbSNP rs121908006, ClinGen allele CA252887.